The following is an entry in ClinVar:

ClinVar aggregate classification (germline): Uncertain significance (1 of 4 stars; one submission).

gnomAD v4.1: 22 of 1,614,020 alleles (0.0014%); highest among the groups gnomAD compares: East Asian, 0.0089%; no homozygotes.

Submission:

Labcorp Genetics (formerly Invitae), Labcorp
Classification: Uncertain significance. Last evaluated: 2024-03-25. Review status: criteria provided, single submitter. Criteria: Invitae Variant Classification Sherloc (09022015). Collection method: clinical testing. Allele origin: germline.
Comment: This sequence change replaces threonine, which is neutral and polar, with methionine, which is neutral and non-polar, at codon 1349 of the NYNRIN protein (p.Thr1349Met). This variant is present in population databases (rs538061448, gnomAD 0.01%). This variant has not been reported in the literature in individuals affected with NYNRIN-related conditions. Experimental studies and prediction algorithms are not available or were not evaluated, and the functional significance of this variant is currently unknown. In summary, the available evidence is currently insufficient to determine the role of this variant in disease. Therefore, it has been classified as a Variant of Uncertain Significance.

NM_025081.3(NYNRIN):c.4046C>T (p.Thr1349Met)

Gene: NYNRIN (NYN domain and retroviral integrase containing; plus strand). Cytogenetic location: 14q12.
Variant type: single nucleotide variant.
Coding change: c.4046C>T on transcript NM_025081.3 (MANE Select); coding-DNA position 4046, C replaced by T.
Protein change: p.Thr1349Met; replaces threonine 1349 with methionine.
Molecular consequence: missense variant.
Genome position (GRCh38, 1-based): chr14:24,415,795, C>T. VCF-style: chr14-24415795-C-T. GRCh37 (hg19) VCF-style: chr14-24885001-C-T.
Other names: short protein forms T1349M.
Identifiers: ClinVar variation 3718149 (VCV003718149.2).